The following is an entry in ClinVar:

ClinVar aggregate classification (germline): Pathogenic (1 of 4 stars; one submission).

Allele frequency attached by ClinVar (database versions not stated): gnomAD exomes below 0.00001; TOPMed below 0.00001; gnomAD 0.00001.

Submission:

Labcorp Genetics (formerly Invitae), Labcorp
Classification: Pathogenic. Last evaluated: 2023-01-13. Review status: criteria provided, single submitter. Criteria: Invitae Variant Classification Sherloc (09022015). Collection method: clinical testing. Allele origin: germline.
Comment: This sequence change creates a premature translational stop signal (p.Glu595Glyfs*13) in the MERTK gene. It is expected to result in an absent or disrupted protein product. Loss-of-function variants in MERTK are known to be pathogenic (PMID: 24265693, 29659094). This variant is not present in population databases (gnomAD no frequency). This variant has not been reported in the literature in individuals affected with MERTK-related conditions. ClinVar contains an entry for this variant (Variation ID: 631825). For these reasons, this variant has been classified as Pathogenic.

Literature cited by the submitters: PubMed 24265693; PubMed 29659094.

NM_006343.3(MERTK):c.1783dup (p.Glu595fs)

Gene: MERTK (MER proto-oncogene, tyrosine kinase; plus strand). Cytogenetic location: 2q13.
Variant type: Duplication.
Coding change: c.1783dup on transcript NM_006343.3 (MANE Select); coding-DNA position 1783, one base duplicated (G; older notation c.1783dupG).
Protein change: p.Glu595fs; shifts the reading frame from glutamic acid 595.
Molecular consequence: frameshift variant.
Genome position (GRCh38, 1-based): chr2:112,003,184, G duplicated. VCF-style (leftmost placement, unchanged base first): chr2-112003183-T-TG. GRCh37 (hg19) VCF-style: chr2-112760760-T-TG.
Other names: short protein forms E595fs.
Identifiers: ClinVar variation 631825 (VCV000631825.9), dbSNP rs1337364058, ClinGen allele CA755200168.